The following is an entry in ClinVar:

NM_004076.5(CRYBB3):c.194+1G>A

Gene: CRYBB3 (crystallin beta B3; plus strand). Cytogenetic location: 22q11.23.
Variant type: single nucleotide variant.
Coding change: c.194+1G>A on transcript NM_004076.5 (MANE Select); the canonical splice donor site of the intron after coding-DNA position 194, G replaced by A.
Molecular consequence: splice donor variant.
Genome position (GRCh38, 1-based): chr22:25,202,793, G>A. VCF-style: chr22-25202793-G-A. GRCh37 (hg19) VCF-style: chr22-25598760-G-A.
Identifiers: ClinVar variation 4850337 (VCV004850337.1).
Genomic context (GRCh38, chr22:25,202,793, plus strand): 5'-CCCCAGCCTGACCGACAGCCTGCTGGAGAAGGTGGGCTCCATCCAAGTGGAGTCCGGGCC[G>A]TGAGTACCTAGACCCCCAGTCCCTCGCCACAGCCCTGAGCCTTCTGGGAGTGTGGAGGCC-3'

ClinVar aggregate classification (germline): Likely pathogenic (1 of 4 stars; one submission).

Conditions:
Cataract 22 multiple types. Also called: CATARACT 22, MULTIPLE TYPES, AUTOSOMAL DOMINANT; CATARACT 22, NUCLEAR, AUTOSOMAL RECESSIVE; Cataract 22. Identifiers: Orphanet 91492, MedGen C1857853, MONDO:0012336, OMIM 609741.

gnomAD v4.1: 11 of 1,613,528 alleles (0.00068%); highest among the groups gnomAD compares: African/African-American, 0.0013%; no homozygotes.

Submission:

First Genomix Gene Laboratory, Genetic Diagnostics Department
Classification: Likely pathogenic for Cataract 22 multiple types. Last evaluated: 2025-09-17. Review status: criteria provided, single submitter. Criteria: ACMG Guidelines, 2015. Collection method: clinical testing. Allele origin: germline. Inheritance: Autosomal recessive inheritance. Affected: no. Observed: 1 variant allele.